The following is an entry in ClinVar:

NM_004937.3(CTNS):c.852+1G>A

Gene: CTNS (cystinosin, lysosomal cystine transporter; plus strand). Cytogenetic location: 17p13.2.
Variant type: single nucleotide variant.
Coding change: c.852+1G>A on transcript NM_004937.3 (MANE Select); the canonical splice donor site of the intron after coding-DNA position 852, G replaced by A.
Molecular consequence: splice donor variant.
Genome position (GRCh38, 1-based): chr17:3,658,176, G>A. VCF-style: chr17-3658176-G-A. GRCh37 (hg19) VCF-style: chr17-3561470-G-A.
Other names: c.411+1G>A (NM_001374496.1, NM_001374493.1, NM_001374495.1 and 1 more transcripts); c.852+1G>A (NM_001031681.3, NM_001374492.1).
Identifiers: ClinVar variation 1066227 (VCV001066227.47), dbSNP rs2150925483, ClinGen allele CA397692774.
Genomic context (GRCh38, chr17:3,658,176, plus strand): 5'-TTTCTCTTCTGCTTCTCCTACATCAAGCTCGCAGTCACGCTGGTCAAGTATTTTCCACAG[G>A]TACCTCCAGGGCCCTGTTCACATGGCCGGTGGCAGGAGAGGTGAGAGCTACATGGCCCAG-3'

ClinVar aggregate classification (germline): Likely pathogenic (1 of 4 stars; one submission).

Conditions:
Juvenile nephropathic cystinosis. Also called: Intermediate Cystinosis; CYSTINOSIS, LATE-ONSET JUVENILE OR ADOLESCENT NEPHROPATHIC TYPE; Later-Onset (Juvenile) Cystinosis. Identifiers: Orphanet 213, Orphanet 411634, MedGen C0268626, MONDO:0009066, OMIM 219900.
Inborn genetic diseases. Identifiers: MedGen C0950123, MeSH D030342.
Ocular cystinosis. Also called: Non-Nephropathic Cystinosis; Non-Nephropathic (Ocular) Cystinosis. Identifiers: Orphanet 213, Orphanet 411641, MedGen C2931013, MONDO:0009064, OMIM 219750.

Submission:

Labcorp Genetics (formerly Invitae), Labcorp
Classification: Likely pathogenic for Inborn genetic diseases; Ocular cystinosis; Juvenile nephropathic cystinosis. Last evaluated: 2020-01-08. Review status: criteria provided, single submitter. Criteria: Invitae Variant Classification Sherloc (09022015). Collection method: clinical testing. Allele origin: germline.
Comment: This sequence change affects a donor splice site in intron 10 of the CTNS gene. It is expected to disrupt RNA splicing and likely results in an absent or disrupted protein product. In summary, the currently available evidence indicates that the variant is pathogenic, but additional data are needed to prove that conclusively. Therefore, this variant has been classified as Likely Pathogenic. Donor and acceptor splice site variants typically lead to a loss of protein function (PMID: 16199547), and loss-of-function variants in CTNS are known to be pathogenic (PMID: 9537412, 27102039). Algorithms developed to predict the effect of sequence changes on RNA splicing suggest that this variant may disrupt the consensus splice site, but this prediction has not been confirmed by published transcriptional studies. This variant has not been reported in the literature in individuals with CTNS-related conditions. This variant is not present in population databases (ExAC no frequency).

Literature cited by the submitters: PubMed 16199547; PubMed 9537412; PubMed 27102039.